The following is an entry in ClinVar:

NM_000051.4(ATM):c.496+1G>A

Gene: ATM (ATM serine/threonine kinase; plus strand). Cytogenetic location: 11q22.3.
Variant type: single nucleotide variant.
Coding change: c.496+1G>A on transcript NM_000051.4 (MANE Select); the canonical splice donor site of the intron after coding-DNA position 496, G replaced by A.
Molecular consequence: splice donor variant.
Genome position (GRCh38, 1-based): chr11:108,235,835, G>A. VCF-style: chr11-108235835-G-A. GRCh37 (hg19) VCF-style: chr11-108106562-G-A.
Other names: c.496+1G>A (NM_001351834.2).
Identifiers: ClinVar variation 230315 (VCV000230315.13), dbSNP rs876658500, ClinGen allele CA10578961.

ClinVar aggregate classification (germline): Likely pathogenic. Review status: criteria provided, multiple submitters, no conflicts (2 of 4 stars). 3 submissions from 3 submitters: Likely pathogenic (3). Last evaluated 2024-10-11.

Conditions:
Hereditary cancer-predisposing syndrome. Also called: Hereditary Cancer Syndrome; Neoplastic Syndromes, Hereditary; Tumor predisposition; Hereditary neoplastic syndrome. Identifiers: Orphanet 140162, MedGen C0027672, MeSH D009386, MONDO:0015356.
Ataxia-telangiectasia syndrome (AT). Also called: Ataxia telangiectasia (A-T); Ataxia-telangiectasia, complementation group E; LOUIS-BAR SYNDROME; Cerebello-oculocutaneous telangiectasia; Immunodeficiency with ataxia telangiectasia; Ataxia-telangiectasia, complementation group D. Identifiers: Orphanet 100, MedGen C0004135, MONDO:0008840, OMIM 208900.
Familial cancer of breast. Also called: Hereditary breast cancer; hereditary breast carcinoma; BREAST CANCER, FAMILIAL. Identifiers: Orphanet 227535, MedGen C0346153, MONDO:0016419, OMIM 114480. Disease mechanism: loss of function.

Submissions (3):

Labcorp Genetics (formerly Invitae), Labcorp
Classification: Likely pathogenic for Ataxia-telangiectasia syndrome. Last evaluated: 2024-10-11. Review status: criteria provided, single submitter. Criteria: Invitae Variant Classification Sherloc (09022015). Collection method: clinical testing. Allele origin: germline.
Comment: This sequence change affects a donor splice site in intron 5 of the ATM gene. It is expected to disrupt RNA splicing. Variants that disrupt the donor or acceptor splice site typically lead to a loss of protein function (PMID: 16199547), and loss-of-function variants in ATM are known to be pathogenic (PMID: 23807571, 25614872). This variant is not present in population databases (gnomAD no frequency). This variant has not been reported in the literature in individuals affected with ATM-related conditions. ClinVar contains an entry for this variant (Variation ID: 230315). Algorithms developed to predict the effect of sequence changes on RNA splicing suggest that this variant may disrupt the consensus splice site. In summary, the currently available evidence indicates that the variant is pathogenic, but additional data are needed to prove that conclusively. Therefore, this variant has been classified as Likely Pathogenic.

Fulgent Genetics
Classification: Likely pathogenic for Familial cancer of breast; Ataxia-telangiectasia syndrome. Last evaluated: 2024-04-23. Review status: criteria provided, single submitter. Criteria: ACMG Guidelines, 2015. Collection method: clinical testing. Allele origin: germline.

Ambry Genetics
Classification: Likely pathogenic for Hereditary cancer-predisposing syndrome. Last evaluated: 2015-02-17. Review status: criteria provided, single submitter. Criteria: Ambry Variant Classification Scheme 2023. Collection method: clinical testing. Allele origin: germline.
Comment: The c.496+1G>A intronic variant results from a G to A substitution one nucleotide after coding exon 4 of the ATM gene. This variant was not reported in population based cohorts in the following databases: Database of Single Nucleotide Polymorphisms (dbSNP), NHLBI Exome Sequencing Project (ESP), and 1000 Genomes Project. In the ESP, this variant was not observed in 6499 samples (12998 alleles) with coverage at this position. To date, this alteration has been detected with an allele frequency of approximately 0.002% (greater than 41,000 alleles tested) in our clinical cohort. This nucleotide position is highly conserved in available vertebrate species. Using two different splice site prediction tools, this alteration is predicted by ESEfinder to abolish the native donor splice site, and is predicted to weaken (but not abolish) the efficacy of the native donor splice site by BDGP; however, direct evidence is unavailable. Since supporting evidence is limited at this time, the clinical significance of c.496+1G>A remains unclear.

Literature cited by the submitters: PubMed 16199547 (cited by Labcorp Genetics (formerly Invitae), Labcorp); PubMed 23807571 (cited by Labcorp Genetics (formerly Invitae), Labcorp); PubMed 25614872 (cited by Labcorp Genetics (formerly Invitae), Labcorp).